The following is an entry in ClinVar:

ClinVar aggregate classification (germline): Uncertain significance. Review status: criteria provided, multiple submitters, no conflicts (2 of 4 stars). 2 submissions from 2 submitters: Uncertain significance (2). Last evaluated 2025-10-13.

Conditions:
Neuropathy, hereditary sensory and autonomic, type 2A (HSAN2A). Also called: ACROOSTEOLYSIS, NEUROGENIC; ACROOSTEOLYSIS, GIACCAI TYPE; MORVAN DISEASE; NEUROPATHY, CONGENITAL SENSORY; NEUROPATHY, HEREDITARY SENSORY RADICULAR, AUTOSOMAL RECESSIVE; NEUROPATHY, HEREDITARY SENSORY, TYPE IIA. Identifiers: Orphanet 970, MedGen C2752089, MONDO:0024309, OMIM 201300.
Generalized epilepsy with febrile seizures plus, type 7 (GEFSP7). Also called: GEFS+, TYPE 7. Identifiers: Orphanet 36387, MedGen C2751778, MONDO:0013470, OMIM 613863.

Allele frequency attached by ClinVar (database versions not stated): ExAC 0.00001; gnomAD 0.00002 and 0.00004; gnomAD exomes 0.00002; TOPMed 0.00003.
gnomAD v4.1: 15 of 1,610,034 alleles (0.00093%); highest among the groups gnomAD compares: Admixed American, 0.013%; 1 homozygote.

Submissions (2):

Labcorp Genetics (formerly Invitae), Labcorp
Classification: Uncertain significance for Neuropathy, hereditary sensory and autonomic, type 2A; Generalized epilepsy with febrile seizures plus, type 7. Last evaluated: 2025-10-13. Review status: criteria provided, single submitter. Criteria: Invitae Variant Classification Sherloc (09022015). Collection method: clinical testing. Allele origin: germline.
Comment: This sequence change replaces leucine, which is neutral and non-polar, with isoleucine, which is neutral and non-polar, at codon 286 of the SCN9A protein (p.Leu286Ile). This variant is present in population databases (rs754977237, gnomAD 0.02%). This variant has not been reported in the literature in individuals affected with SCN9A-related conditions. ClinVar contains an entry for this variant (Variation ID: 471166). Invitae Evidence Modeling of protein sequence and biophysical properties (such as structural, functional, and spatial information, amino acid conservation, physicochemical variation, residue mobility, and thermodynamic stability) indicates that this missense variant is not expected to disrupt SCN9A protein function with a negative predictive value of 95%. In summary, the available evidence is currently insufficient to determine the role of this variant in disease. Therefore, it has been classified as a Variant of Uncertain Significance.

New York Genome Center
Classification: Uncertain significance for Generalized epilepsy with febrile seizures plus, type 7. Last evaluated: 2020-05-07. Review status: criteria provided, single submitter. Criteria: NYGC Assertion Criteria 2020. Collection method: clinical testing. Allele origin: inherited. Observed: 1 heterozygote. Study: CSER-NYCKidSeq.

NM_001365536.1(SCN9A):c.856T>A (p.Leu286Ile)

Gene: SCN9A (sodium voltage-gated channel alpha subunit 9; minus strand). Cytogenetic location: 2q24.3.
Variant type: single nucleotide variant.
Coding change: c.856T>A on transcript NM_001365536.1 (MANE Select); coding-DNA position 856, T replaced by A.
Protein change: p.Leu286Ile; replaces leucine 286 with isoleucine.
Molecular consequence: missense variant.
Genome position (GRCh38, 1-based): chr2:166,303,135, A>T on the plus strand (T>A on the coding strand, the complement: SCN9A is on the minus strand). VCF-style: chr2-166303135-A-T. GRCh37 (hg19) VCF-style: chr2-167159645-A-T.
Other names: c.856T>A, p.Leu286Ile (NM_002977.4); short protein forms L286I.
Identifiers: ClinVar variation 471166 (VCV000471166.14), dbSNP rs754977237, ClinGen allele CA1944647.